The following is an entry in ClinVar:

NM_015404.4(WHRN):c.933A>C (p.Pro311=)

Gene: WHRN (whirlin; minus strand). Cytogenetic location: 9q32.
Variant type: single nucleotide variant.
Coding change: c.933A>C on transcript NM_015404.4 (MANE Select); coding-DNA position 933, A replaced by C.
Protein change: p.Pro311=; no amino-acid change (proline 311 retained).
Molecular consequence: synonymous variant. On other transcripts: 5 prime UTR variant (1).
Genome position (GRCh38, 1-based): chr9:114,466,297, T>G on the plus strand (A>C on the coding strand, the complement: WHRN is on the minus strand). VCF-style: chr9-114466297-T-G. GRCh37 (hg19) VCF-style: chr9-117228577-T-G.
Other names: c.-217A>C (NM_001083885.3); c.933A>C, p.Pro311= (NM_001173425.2).
Identifiers: ClinVar variation 289015 (VCV000289015.28), dbSNP rs569159249, ClinGen allele CA5206122.

ClinVar aggregate classification (germline): Conflicting classifications of pathogenicity. Review status: criteria provided, conflicting classifications (1 of 4 stars). 9 submissions from 8 submitters: Uncertain significance (1); Benign (3); Likely benign (3). 2 of the submissions do not count toward it. Last evaluated 2026-01-28.

Conditions:
Autosomal recessive nonsyndromic hearing loss 31. Also called: WHIRLER, MOUSE, HOMOLOG OF. Identifiers: Orphanet 90636, MedGen C1846839, MONDO:0011767, OMIM 607084.
Usher syndrome type 2D. Also called: USHER SYNDROME, TYPE IID. Identifiers: Orphanet 231178, Orphanet 886, MedGen C1568249, MONDO:0012662, OMIM 611383.

Allele frequency attached by ClinVar (database versions not stated): gnomAD 0.00004 and 0.00034; TOPMed 0.00007; gnomAD exomes 0.00062 and 0.00135; ExAC 0.00145; 1000 Genomes Project 0.00180; 1000 Genomes Project 30x 0.00187.
gnomAD v4.1: 954 of 1,614,116 alleles (0.059%); highest among the groups gnomAD compares: South Asian, 0.98%; 8 homozygotes.

Submissions (9):

Labcorp Genetics (formerly Invitae), Labcorp
Classification: Benign. Last evaluated: 2026-01-28. Review status: criteria provided, single submitter. Criteria: Invitae Variant Classification Sherloc (09022015). Collection method: clinical testing. Allele origin: germline.

CeGaT Center for Human Genetics Tuebingen
Classification: Likely benign. Last evaluated: 2025-10-01. Review status: criteria provided, single submitter. Criteria: CeGaT Center For Human Genetics Tuebingen Variant Classification Criteria Version 2. Collection method: clinical testing. Allele origin: germline. Affected: yes. Observed: 1 variant allele.
Comment: WHRN: BP4, BP7

Blueprint Genetics
Classification: Likely benign. Last evaluated: 2024-11-21. Review status: criteria provided, single submitter. Criteria: ACMG Guidelines, 2015. Collection method: clinical testing. Allele origin: germline.

GeneDx
Classification: Benign. Last evaluated: 2021-02-09. Review status: criteria provided, single submitter. Criteria: GeneDx Variant Classification Process June 2021. Collection method: clinical testing. Allele origin: germline. Affected: yes.

Illumina Laboratory Services, Illumina
Classification: Uncertain significance for Autosomal recessive nonsyndromic hearing loss 31. Last evaluated: 2018-01-13. Review status: criteria provided, single submitter. Criteria: ICSL Variant Classification Criteria 13 December 2019. Collection method: clinical testing. Allele origin: germline.

Illumina Laboratory Services, Illumina
Classification: Likely benign for Usher syndrome type 2D. Last evaluated: 2018-01-13. Review status: criteria provided, single submitter. Criteria: ICSL Variant Classification Criteria 13 December 2019. Collection method: clinical testing. Allele origin: germline.
Comment: This variant was observed in the ICSL laboratory as part of a predisposition screen in an ostensibly healthy population. It had not been previously curated by ICSL or reported in the Human Gene Mutation Database (HGMD: prior to June 1st, 2018), and was therefore a candidate for classification through an automated scoring system. Utilizing variant allele frequency, disease prevalence and penetrance estimates, and inheritance mode, an automated score was calculated to assess if this variant is too frequent to cause the disease. Based on the score and internal cut-off values, a variant classified as likely benign is not then subjected to further curation. The score for this variant resulted in a classification of likely benign for this disease.

Eurofins Ntd Llc (ga)
Classification: Benign. Last evaluated: 2016-07-14. Review status: criteria provided, single submitter. Criteria: EGL Classification Definitions 2015. Collection method: clinical testing. Allele origin: germline. Observed: 1 variant allele, 1 heterozygote.

Clinical Genetics DNA and cytogenetics Diagnostics Lab, Erasmus MC, Erasmus Medical Center
Classification: Likely benign. Review status: no assertion criteria provided. Collection method: clinical testing. Allele origin: germline. Affected: yes. Study: VKGL Data-share Consensus. Not counted in ClinVar's aggregate classification.

Clinical Genetics, Academic Medical Center
Classification: Likely benign. Review status: no assertion criteria provided. Collection method: clinical testing. Allele origin: germline. Affected: yes. Study: VKGL Data-share Consensus. Not counted in ClinVar's aggregate classification.